The following is an entry in ClinVar:

ClinVar aggregate classification (germline): Likely benign. Review status: criteria provided, single submitter (1 of 4 stars). 2 submissions from 2 submitters: Likely benign (1). 1 of the submissions does not count toward it. Last evaluated 2025-05-04.

Conditions:
ZNF142-related disorder. Also called: ZNF142-related condition.
Inborn genetic diseases. Identifiers: MedGen C0950123, MeSH D030342.

gnomAD v4.1: 500 of 1,614,112 alleles (0.031%); highest among the groups gnomAD compares: African/African-American, 0.58%; 3 homozygotes.

Submissions (2):

Ambry Genetics
Classification: Likely benign for Inborn genetic diseases. Last evaluated: 2025-05-04. Review status: criteria provided, single submitter. Criteria: Ambry Variant Classification Scheme 2023. Collection method: clinical testing. Allele origin: germline.

PreventionGenetics, part of Exact Sciences
Classification: Likely benign for ZNF142-related condition. Last evaluated: 2024-07-18. Review status: no assertion criteria provided. Collection method: clinical testing. Allele origin: germline. Not counted in ClinVar's aggregate classification.
Comment: This variant is classified as likely benign based on ACMG/AMP sequence variant interpretation guidelines (Richards et al. 2015 PMID: 25741868, with internal and published modifications).

NM_001379659.1(ZNF142):c.4405C>T (p.Arg1469Cys)

Gene: ZNF142 (zinc finger protein 142; minus strand). Cytogenetic location: 2q35.
Variant type: single nucleotide variant.
Coding change: c.4405C>T on transcript NM_001379659.1 (MANE Select); coding-DNA position 4405, C replaced by T.
Protein change: p.Arg1469Cys; replaces arginine 1469 with cysteine.
Molecular consequence: missense variant.
Genome position (GRCh38, 1-based): chr2:218,642,711, G>A on the plus strand (C>T on the coding strand, the complement: ZNF142 is on the minus strand). VCF-style: chr2-218642711-G-A. GRCh37 (hg19) VCF-style: chr2-219507434-G-A.
Other names: c.3805C>T, p.Arg1269Cys (NM_001105537.5, NM_001366291.3, NM_001379662.1); c.3316C>T, p.Arg1106Cys (NM_001366287.3, NM_001366288.3, NM_001366289.3); c.4405C>T, p.Arg1469Cys (NM_001366290.3, NM_001379660.1, NM_001379661.1); short protein forms R1106C, R1269C, R1469C.
Identifiers: ClinVar variation 3345637 (VCV003345637.2).